The following is an entry in ClinVar:

ClinVar aggregate classification (germline): Uncertain significance (1 of 4 stars; one submission).

Conditions:
Autosomal dominant nonsyndromic hearing loss 1. Also called: DEAFNESS, AUTOSOMAL DOMINANT 1, WITH OR WITHOUT THROMBOCYTOPENIA; KONIGSMARK SYNDROME. Identifiers: Orphanet 90635, MedGen C1852282, MONDO:0007424, OMIM 124900.
Progressive microcephaly-seizures-cortical blindness-developmental delay syndrome. Also called: Seizures, cortical blindness, and microcephaly syndrome. Identifiers: Orphanet 477814, MedGen C5567650, MONDO:0014714, OMIM 616632.

Allele frequency attached by ClinVar (database versions not stated): TOPMed below 0.00001.

Submission:

Labcorp Genetics (formerly Invitae), Labcorp
Classification: Uncertain significance for Progressive microcephaly-seizures-cortical blindness-developmental delay syndrome; Autosomal dominant nonsyndromic hearing loss 1. Last evaluated: 2021-02-17. Review status: criteria provided, single submitter. Criteria: Invitae Variant Classification Sherloc (09022015). Collection method: clinical testing. Allele origin: germline.
Comment: This variant has not been reported in the literature in individuals with DIAPH1-related conditions. This variant is not present in population databases (ExAC no frequency). This sequence change replaces threonine with serine at codon 571 of the DIAPH1 protein (p.Thr571Ser). The threonine residue is weakly conserved and there is a small physicochemical difference between threonine and serine. Algorithms developed to predict the effect of missense changes on protein structure and function output the following: SIFT: "Tolerated"; PolyPhen-2: "Not Available"; Align-GVGD: "Class C0". The serine amino acid residue is found in multiple mammalian species, suggesting that this missense change does not adversely affect protein function. These predictions have not been confirmed by published functional studies and their clinical significance is uncertain. In summary, the available evidence is currently insufficient to determine the role of this variant in disease. Therefore, it has been classified as a Variant of Uncertain Significance.

NM_005219.5(DIAPH1):c.1712C>G (p.Thr571Ser)

Gene: DIAPH1 (diaphanous related formin 1; minus strand). Cytogenetic location: 5q31.3.
Variant type: single nucleotide variant.
Coding change: c.1712C>G on transcript NM_005219.5 (MANE Select); coding-DNA position 1712, C replaced by G.
Protein change: p.Thr571Ser; replaces threonine 571 with serine.
Molecular consequence: missense variant.
Genome position (GRCh38, 1-based): chr5:141,574,138, G>C on the plus strand (C>G on the coding strand, the complement: DIAPH1 is on the minus strand). VCF-style: chr5-141574138-G-C. GRCh37 (hg19) VCF-style: chr5-140953705-G-C.
Other names: c.1685C>G, p.Thr562Ser (NM_001079812.3); c.1712C>G, p.Thr571Ser (NM_001314007.2); short protein forms T571S, T562S.
Identifiers: ClinVar variation 1442925 (VCV001442925.8), dbSNP rs1562321607, ClinGen allele CA361521898.
Genomic context (GRCh38, chr5:141,574,138, plus strand): 5'-TCACCAGGTAAAGGAGGGGCAGGGGGAACAGGAGCACGACTAGGAACAGAAGGAGGTACA[G>C]TAATAGCTGCCGCAGAGAGGGAAGCCATTTCTTTCTTGGCATCTTCCAGTTCCTTTGTCA-3'
Protein context (NP_005210.3, residues 561-581): EMASLSAAAI[Thr571Ser]VPPSVPSRAP